The following is an entry in ClinVar:

NM_004444.5(EPHB4):c.719G>C (p.Arg240Pro)

Gene: EPHB4 (EPH receptor B4; minus strand). Cytogenetic location: 7q22.1.
Variant type: single nucleotide variant.
Coding change: c.719G>C on transcript NM_004444.5 (MANE Select); coding-DNA position 719, G replaced by C.
Protein change: p.Arg240Pro; replaces arginine 240 with proline.
Molecular consequence: missense variant.
Genome position (GRCh38, 1-based): chr7:100,822,360, C>G on the plus strand (G>C on the coding strand, the complement: EPHB4 is on the minus strand). VCF-style: chr7-100822360-C-G. GRCh37 (hg19) VCF-style: chr7-100419982-C-G.
Other names: short protein forms R240P.
Identifiers: ClinVar variation 2450416 (VCV002450416.2), dbSNP rs2485044920, ClinGen allele CA368580142.

ClinVar aggregate classification (germline): Uncertain significance (1 of 4 stars; one submission).

Conditions:
Cardiovascular phenotype. Identifiers: MedGen CN230736.

Submission:

Ambry Genetics
Classification: Uncertain significance for Cardiovascular phenotype. Last evaluated: 2023-03-13. Review status: criteria provided, single submitter. Criteria: Ambry Variant Classification Scheme 2023. Collection method: clinical testing. Allele origin: germline.
Comment: The p.R240P variant (also known as c.719G>C), located in coding exon 4 of the EPHB4 gene, results from a G to C substitution at nucleotide position 719. The arginine at codon 240 is replaced by proline, an amino acid with dissimilar properties. This amino acid position is conserved. In addition, the in silico prediction for this alteration is inconclusive. Since supporting evidence is limited at this time, the clinical significance of this alteration remains unclear.